The following is an entry in ClinVar:

ClinVar aggregate classification (germline): Uncertain significance (1 of 4 stars; one submission).

Conditions:
Anemia, nonspherocytic hemolytic, due to G6PD deficiency (CNSHA1). Also called: Class I glucose-6-phosphate dehydrogenase deficiency; Favism, susceptibility to; ANEMIA, CONGENITAL, NONSPHEROCYTIC HEMOLYTIC, 1; Hemolytic anemia due to G6PD deficiency. Identifiers: Orphanet 466026, MedGen C2720289, MONDO:0010480, OMIM 300908.

Allele frequency attached by ClinVar (database versions not stated): gnomAD exomes below 0.00001.
gnomAD v4.1: 1 of 1,210,178 alleles (0.000083%); highest among the groups gnomAD compares: Non-Finnish European, 0.00011%; no homozygotes.

Submission:

Neuberg Centre For Genomic Medicine, NCGM
Classification: Uncertain significance for Anemia, nonspherocytic hemolytic, due to G6PD deficiency. Review status: criteria provided, single submitter. Criteria: ACMG Guidelines, 2015. Collection method: clinical testing. Allele origin: germline. Inheritance: X-linked inheritance. Affected: yes.
Comment: The missense variant c.1090G>A(p.Glu364Lys) in G6PD gene has not been reported previously as a pathogenic variant nor as a benign variant, to our knowledge. The observed variant is absent in gnomAD exomes database. This variant has not been submitted to the ClinVar database. The amino acid change p.Glu364Lys in G6PD is predicted as conserved by GERP++ and PhyloP across 100 vertebrates. The amino acid Glu at position 364 is changed to a Lys changing protein sequence and it might alter its composition and physico-chemical properties. For these reasons, this variant has been classified as Uncertain Significance (VUS).

NM_001360016.2(G6PD):c.1090G>A (p.Glu364Lys)

Gene: G6PD (glucose-6-phosphate dehydrogenase; minus strand). Cytogenetic location: Xq28.
Variant type: single nucleotide variant.
Coding change: c.1090G>A on transcript NM_001360016.2 (MANE Select); coding-DNA position 1090, G replaced by A.
Protein change: p.Glu364Lys; replaces glutamic acid 364 with lysine.
Molecular consequence: missense variant.
Genome position (GRCh38, 1-based): chrX:154,532,764, C>T on the plus strand (G>A on the coding strand, the complement: G6PD is on the minus strand). VCF-style: chrX-154532764-C-T. GRCh37 (hg19) VCF-style: chrX-153760979-C-T.
Other names: c.1180G>A, p.Glu394Lys (NM_000402.4); c.1090G>A, p.Glu364Lys (NM_001042351.3); short protein forms E364K, E394K.
Identifiers: ClinVar variation 3250471 (VCV003250471.1), dbSNP rs2523263028.